The following is an entry in ClinVar:

ClinVar aggregate classification (germline): Pathogenic/Likely pathogenic. Review status: criteria provided, multiple submitters, no conflicts (2 of 4 stars). 4 submissions from 4 submitters: Pathogenic (1); Likely pathogenic (3). Last evaluated 2025-12-14.

Conditions:
Polycystic kidney disease 4 (PKD4). Also called: PKD3; Autosomal Recessive Polycystic Kidney Disease – PKHD1; POLYCYSTIC KIDNEY AND HEPATIC DISEASE 1; POLYCYSTIC KIDNEY DISEASE, INFANTILE, TYPE I; POLYCYSTIC KIDNEY DISEASE 4 WITH OR WITHOUT POLYCYSTIC LIVER DISEASE. Identifiers: MedGen C4540575, MONDO:0033004, OMIM 263200.
Autosomal recessive polycystic kidney disease (ARPKD). Also called: AR polycystic kidney disease. Identifiers: Orphanet 731, Orphanet 8378, MedGen C0085548, MeSH D017044, MONDO:0009889.

Allele frequency attached by ClinVar (database versions not stated): TOPMed below 0.00001; ExAC 0.00001; gnomAD 0.00001; gnomAD exomes 0.00001.
gnomAD v4.1: 4 of 1,613,926 alleles (0.00025%); highest among the groups gnomAD compares: African/African-American, 0.0027%; no homozygotes.

Submissions (4):

Labcorp Genetics (formerly Invitae), Labcorp
Classification: Pathogenic for Autosomal recessive polycystic kidney disease. Last evaluated: 2025-12-14. Review status: criteria provided, single submitter. Criteria: Invitae Variant Classification Sherloc (09022015). Collection method: clinical testing. Allele origin: germline.
Comment: This sequence change creates a premature translational stop signal (p.Gln504*) in the PKHD1 gene. It is expected to result in an absent or disrupted protein product. Loss-of-function variants in PKHD1 are known to be pathogenic (PMID: 19940839). This variant is present in population databases (rs759322460, gnomAD 0.007%). This variant has not been reported in the literature in individuals affected with PKHD1-related conditions. ClinVar contains an entry for this variant (Variation ID: 964087). Algorithms developed to predict the effect of sequence changes on RNA splicing suggest that this variant may disrupt the consensus splice site. For these reasons, this variant has been classified as Pathogenic.

Natera, Inc.
Classification: Likely pathogenic for Autosomal recessive polycystic kidney disease. Last evaluated: 2025-06-16. Review status: criteria provided, single submitter. Criteria: Natera Variant Classification Schema (03/2026). Collection method: clinical testing. Allele origin: germline.
Comment: The c.1510C>T variant in PKHD1 is a nonsense variant predicted to introduce a stop codon at amino acid 504. This variant is expected to result in nonsense mediated decay, truncation, or a dysfunctional protein product. This variant is rare in the general population with a frequency below the threshold expected for the associated phenotype(s). Given the available evidence, this variant is classified as Likely Pathogenic.

Fulgent Genetics
Classification: Likely pathogenic for Polycystic kidney disease 4. Last evaluated: 2024-03-07. Review status: criteria provided, single submitter. Criteria: ACMG Guidelines, 2015. Collection method: clinical testing. Allele origin: germline.

Baylor Genetics
Classification: Likely pathogenic for Polycystic kidney disease 4. Last evaluated: 2021-11-13. Review status: criteria provided, single submitter. Criteria: ACMG Guidelines, 2015. Collection method: clinical testing. Allele origin: unknown.

Literature cited by the submitters: PubMed 19940839 (cited by Labcorp Genetics (formerly Invitae), Labcorp).

NM_138694.4(PKHD1):c.1510C>T (p.Gln504Ter)

Gene: PKHD1 (PKHD1 ciliary IPT domain containing fibrocystin/polyductin; minus strand). Cytogenetic location: 6p12.2.
Variant type: single nucleotide variant.
Coding change: c.1510C>T on transcript NM_138694.4 (MANE Select); coding-DNA position 1510, C replaced by T.
Protein change: p.Gln504Ter; replaces glutamine 504 with a stop codon.
Molecular consequence: nonsense.
Genome position (GRCh38, 1-based): chr6:52,058,325, G>A on the plus strand (C>T on the coding strand, the complement: PKHD1 is on the minus strand). VCF-style: chr6-52058325-G-A. GRCh37 (hg19) VCF-style: chr6-51923123-G-A.
Other names: c.1510C>T, p.Gln504Ter (NM_170724.3); short protein forms Q504*.
Identifiers: ClinVar variation 964087 (VCV000964087.16), dbSNP rs759322460, ClinGen allele CA3853544.